The following is an entry in ClinVar:

NM_017780.4(CHD7):c.7097_7098delinsAT (p.Leu2366His)

Gene: CHD7 (chromodomain helicase DNA binding protein 7; plus strand). Cytogenetic location: 8q12.2.
Variant type: Indel.
Coding change: c.7097_7098delinsAT on transcript NM_017780.4 (MANE Select); coding-DNA positions 7097 to 7098, TC replaced by AT.
Protein change: p.Leu2366His; replaces leucine 2366 with histidine.
Molecular consequence: missense variant. On other transcripts: intron variant (1).
Genome position (GRCh38, 1-based): chr8:60,856,135-60,856,136, TC replaced by AT. VCF-style: chr8-60856135-TC-AT. GRCh37 (hg19) VCF-style: chr8-61768694-TC-AT.
Other names: c.1717-6094_1717-6093delinsAT (NM_001316690.1); short protein forms L2366H.
Identifiers: ClinVar variation 2862725 (VCV002862725.3), dbSNP rs2488068966, ClinGen allele CA2739268793.

ClinVar aggregate classification (germline): Uncertain significance (1 of 4 stars; one submission).

Conditions:
CHARGE syndrome (CHARGE). Also called: Hittner Hirsch Kreh syndrome; CHARGE ASSOCIATION--COLOBOMA, HEART ANOMALY, CHOANAL ATRESIA, RETARDATION, GENITAL AND EAR ANOMALIES; Coloboma, heart anomaly, choanal atresia, retardation, genital and ear anomalies; CHARGE association; Hall-Hittner syndrome. Identifiers: Orphanet 138, MedGen C0265354, MONDO:0008965.

Submission:

Labcorp Genetics (formerly Invitae), Labcorp
Classification: Uncertain significance for CHARGE syndrome. Last evaluated: 2024-11-06. Review status: criteria provided, single submitter. Criteria: Invitae Variant Classification Sherloc (09022015). Collection method: clinical testing. Allele origin: germline.
Comment: This sequence change replaces leucine, which is neutral and non-polar, with histidine, which is basic and polar, at codon 2366 of the CHD7 protein (p.Leu2366His). This variant is present in population databases (no rsID available, gnomAD 0.0004%). This variant has not been reported in the literature in individuals affected with CHD7-related conditions. ClinVar contains an entry for this variant (Variation ID: 2862725). An algorithm developed to predict the effect of missense changes on protein structure and function (PolyPhen-2) suggests that this variant is likely to be disruptive. In summary, the available evidence is currently insufficient to determine the role of this variant in disease. Therefore, it has been classified as a Variant of Uncertain Significance.